The following is an entry in ClinVar:

NM_001201543.2(FAM161A):c.1592T>C (p.Leu531Pro)

Gene: FAM161A (FAM161 centrosomal protein A; minus strand). Cytogenetic location: 2p15.
Variant type: single nucleotide variant.
Coding change: c.1592T>C on transcript NM_001201543.2 (MANE Select); coding-DNA position 1592, T replaced by C.
Protein change: p.Leu531Pro; replaces leucine 531 with proline.
Molecular consequence: missense variant. On other transcripts: intron variant (1).
Genome position (GRCh38, 1-based): chr2:61,838,697, A>G on the plus strand (T>C on the coding strand, the complement: FAM161A is on the minus strand). VCF-style: chr2-61838697-A-G. GRCh37 (hg19) VCF-style: chr2-62065832-A-G.
Other names: c.1583+724T>C (NM_032180.3); short protein forms L531P.
Identifiers: ClinVar variation 2153175 (VCV002153175.4), dbSNP rs747699789, ClinGen allele CA346986200.

ClinVar aggregate classification (germline): Uncertain significance (1 of 4 stars; one submission).

Allele frequency attached by ClinVar (database versions not stated): gnomAD 0.00001.
gnomAD v4.1: 12 of 1,607,252 alleles (0.00075%); highest among the groups gnomAD compares: East Asian, 0.0089%; no homozygotes.

Submission:

Labcorp Genetics (formerly Invitae), Labcorp
Classification: Uncertain significance. Last evaluated: 2023-07-03. Review status: criteria provided, single submitter. Criteria: Invitae Variant Classification Sherloc (09022015). Collection method: clinical testing. Allele origin: germline.
Comment: In summary, the available evidence is currently insufficient to determine the role of this variant in disease. Therefore, it has been classified as a Variant of Uncertain Significance. An algorithm developed to predict the effect of missense changes on protein structure and function (PolyPhen-2) suggests that this variant is likely to be disruptive. ClinVar contains an entry for this variant (Variation ID: 2153175). This variant has not been reported in the literature in individuals affected with FAM161A-related conditions. The frequency data for this variant in the population databases is considered unreliable, as metrics indicate poor data quality at this position in the gnomAD database. This sequence change replaces leucine, which is neutral and non-polar, with proline, which is neutral and non-polar, at codon 531 of the FAM161A protein (p.Leu531Pro).